The following is an entry in ClinVar:

ClinVar aggregate classification (germline): Uncertain significance (1 of 4 stars; one submission).

Conditions:
Cardiovascular phenotype. Identifiers: MedGen CN230736.

Submission:

Ambry Genetics
Classification: Uncertain significance for Cardiovascular phenotype. Last evaluated: 2024-12-28. Review status: criteria provided, single submitter. Criteria: Ambry Variant Classification Scheme 2023. Collection method: clinical testing. Allele origin: germline.
Comment: The p.E42G variant (also known as c.125A>G), located in coding exon 2 of the TBX1 gene, results from an A to G substitution at nucleotide position 125. The glutamic acid at codon 42 is replaced by glycine, an amino acid with similar properties. This amino acid position is conserved. In addition, this alteration is predicted to be tolerated by in silico analysis. Based on the available evidence, the clinical significance of this variant remains unclear.

NM_001379200.1(TBX1):c.152A>G (p.Glu51Gly)

Gene: TBX1 (T-box transcription factor 1; plus strand). Cytogenetic location: 22q11.21.
Variant type: single nucleotide variant.
Coding change: c.152A>G on transcript NM_001379200.1 (MANE Select); coding-DNA position 152, A replaced by G.
Protein change: p.Glu51Gly; replaces glutamic acid 51 with glycine.
Molecular consequence: missense variant.
Genome position (GRCh38, 1-based): chr22:19,760,995, A>G. VCF-style: chr22-19760995-A-G. GRCh37 (hg19) VCF-style: chr22-19748518-A-G.
Other names: c.125A>G, p.Glu42Gly (NM_005992.1, NM_080646.2, NM_080647.1); short protein forms E42G, E51G.
Identifiers: ClinVar variation 3804874 (VCV003804874.1).